The following is an entry in ClinVar:

ClinVar aggregate classification (germline): Uncertain significance (1 of 4 stars; one submission).

Submission:

Ambry Genetics
Classification: Uncertain significance. Last evaluated: 2025-04-19. Review status: criteria provided, single submitter. Criteria: Ambry Variant Classification Scheme 2023. Collection method: clinical testing. Allele origin: germline.
Comment: The p.S794N variant (also known as c.2381G>A), located in coding exon 13 of the GEN1 gene, results from a G to A substitution at nucleotide position 2381. The serine at codon 794 is replaced by asparagine, an amino acid with highly similar properties. This amino acid position is conserved. In addition, this alteration is predicted to be tolerated by in silico analysis. Based on the available evidence, the clinical significance of this variant remains unclear.

NM_001130009.3(GEN1):c.2381G>A (p.Ser794Asn)

Gene: GEN1 (GEN1 Holliday junction 5' flap endonuclease; plus strand). Cytogenetic location: 2p24.2.
Variant type: single nucleotide variant.
Coding change: c.2381G>A on transcript NM_001130009.3 (MANE Select); coding-DNA position 2381, G replaced by A.
Protein change: p.Ser794Asn; replaces serine 794 with asparagine.
Molecular consequence: missense variant.
Genome position (GRCh38, 1-based): chr2:17,781,593, G>A. VCF-style: chr2-17781593-G-A. GRCh37 (hg19) VCF-style: chr2-17962860-G-A.
Other names: c.2381G>A, p.Ser794Asn (NM_182625.5); short protein forms S794N.
Identifiers: ClinVar variation 4029246 (VCV004029246.1).